The following is an entry in ClinVar:

ClinVar aggregate classification (germline): Uncertain significance (0 of 4 stars; one submission).

Conditions:
SEMA3C-related disorder. Also called: SEMA3C-related condition.

gnomAD v4.1: 5 of 1,613,958 alleles (0.00031%); highest among the groups gnomAD compares: Middle Eastern, 0.016%; no homozygotes.

Submission:

PreventionGenetics, part of Exact Sciences
Classification: Uncertain significance for SEMA3C-related condition. Last evaluated: 2024-04-18. Review status: no assertion criteria provided. Collection method: clinical testing. Allele origin: germline.
Comment: The SEMA3C c.1315G>T variant is predicted to result in the amino acid substitution p.Val439Phe. To our knowledge, this variant has not been reported in the literature. This variant is reported in 0.0% of alleles in individuals of African descent in gnomAD. At this time, the clinical significance of this variant is uncertain due to the absence of conclusive functional and genetic evidence.

NM_006379.5(SEMA3C):c.1261G>T (p.Val421Phe)

Gene: SEMA3C (semaphorin 3C; minus strand). Cytogenetic location: 7q21.11.
Variant type: single nucleotide variant.
Coding change: c.1261G>T on transcript NM_006379.5 (MANE Select); coding-DNA position 1261, G replaced by T.
Protein change: p.Val421Phe; replaces valine 421 with phenylalanine.
Molecular consequence: missense variant.
Genome position (GRCh38, 1-based): chr7:80,789,399, C>A on the plus strand (G>T on the coding strand, the complement: SEMA3C is on the minus strand). VCF-style: chr7-80789399-C-A. GRCh37 (hg19) VCF-style: chr7-80418715-C-A.
Other names: c.1315G>T, p.Val439Phe (NM_001350120.2); c.1087G>T, p.Val363Phe (NM_001350121.2); short protein forms V363F, V421F, V439F.
Identifiers: ClinVar variation 3352395 (VCV003352395.1).